The following is an entry in ClinVar:

NM_001110556.2(FLNA):c.3044C>T (p.Ala1015Val)

Gene: FLNA (filamin A; minus strand). Cytogenetic location: Xq28.
Variant type: single nucleotide variant.
Coding change: c.3044C>T on transcript NM_001110556.2 (MANE Select); coding-DNA position 3044, C replaced by T.
Protein change: p.Ala1015Val; replaces alanine 1015 with valine.
Molecular consequence: missense variant.
Genome position (GRCh38, 1-based): chrX:154,361,471, G>A on the plus strand (C>T on the coding strand, the complement: FLNA is on the minus strand). VCF-style: chrX-154361471-G-A. GRCh37 (hg19) VCF-style: chrX-153589839-G-A.
Other names: c.3044C>T, p.Ala1015Val (NM_001456.4); short protein forms A1015V.
Identifiers: ClinVar variation 511937 (VCV000511937.15), dbSNP rs782322036, ClinGen allele CA10560784.
Genomic context (GRCh38, chrX:154,361,471, plus strand): 5'-GGCAGGAAGCGCACCACACTGTTGTCAGCCCCCAGGCCTGGCTCCACCTTGCAGGGCACC[G>A]CTGCACCCGAGGGGCCCACAATCTTGGATGCCACTTTGCCTTGACCACCAGCACCCTTTG-3'
Protein context (NP_001104026.1, residues 1005-1025): ASKIVGPSGA[Ala1015Val]VPCKVEPGLG

ClinVar aggregate classification (germline): Conflicting classifications of pathogenicity. Review status: criteria provided, conflicting classifications (1 of 4 stars). 3 submissions from 3 submitters: Uncertain significance (1); Likely benign (2). Last evaluated 2026-09-13.

Conditions:
Heterotopia, periventricular, X-linked dominant (PVNH1). Also called: PERIVENTRICULAR NODULAR HETEROTOPIA 1; X-linked periventricular heterotopia; PERIVENTRICULAR NODULAR HETEROTOPIA 4; HETEROTOPIA, PERIVENTRICULAR, 1. Identifiers: Orphanet 2149, Orphanet 82004, MedGen C1848213, MONDO:0010233, OMIM 300049.
Oto-palato-digital syndrome, type II (OPD2). Also called: Otopalatodigital Syndrome Type 2 (FLNA-OPD2); Otopalatodigital Syndrome, Type II; OPD II SYNDROME; FACIOPALATOOSSEOUS SYNDROME. Identifiers: Orphanet 669, Orphanet 90652, MedGen C1844696, MONDO:0010571, OMIM 304120.
Frontometaphyseal dysplasia (FMD1). Identifiers: Orphanet 1826, MedGen C0265293, MONDO:0015942.
Melnick-Needles syndrome (MNS). Also called: Melnick-Needles Syndrome (FLNA-MNS); MELNICK-NEEDLES OSTEODYSPLASTY; OSTEODYSPLASTY OF MELNICK AND NEEDLES. Identifiers: Orphanet 2484, MedGen C0025237, MONDO:0010650, OMIM 309350.
Familial thoracic aortic aneurysm and aortic dissection (TAAD). Also called: Thoracic aortic aneurysms and dissections. Identifiers: Orphanet 91387, MedGen C4707243, MONDO:0019625.

Allele frequency attached by ClinVar (database versions not stated): TOPMed 0.00001; gnomAD 0.00003; gnomAD exomes 0.00004; ExAC 0.00007.
gnomAD v4.1: 26 of 1,208,899 alleles (0.0022%); highest among the groups gnomAD compares: South Asian, 0.012%; no homozygotes.

Submissions (3):

Ambry Genetics
Classification: Uncertain significance for Familial thoracic aortic aneurysm and aortic dissection. Last evaluated: 2026-09-13. Review status: criteria provided, single submitter. Criteria: Ambry Variant Classification Scheme 2023. Collection method: clinical testing. Allele origin: germline.
Comment: The p.A1015V variant (also known as c.3044C>T), located in coding exon 20 of the FLNA gene, results from a C to T substitution at nucleotide position 3044. The alanine at codon 1015 is replaced by valine, an amino acid with similar properties. This amino acid position is conserved. In addition, this alteration is predicted to be tolerated by in silico analysis. Based on the available evidence, the clinical significance of this variant remains unclear.

Labcorp Genetics (formerly Invitae), Labcorp
Classification: Likely benign for Oto-palato-digital syndrome, type II; Heterotopia, periventricular, X-linked dominant; Frontometaphyseal dysplasia; Melnick-Needles syndrome. Last evaluated: 2026-01-28. Review status: criteria provided, single submitter. Criteria: Invitae Variant Classification Sherloc (09022015). Collection method: clinical testing. Allele origin: germline.

GeneDx
Classification: Likely benign. Last evaluated: 2021-05-28. Review status: criteria provided, single submitter. Criteria: GeneDx Variant Classification Process June 2021. Collection method: clinical testing. Allele origin: germline. Affected: yes.